The following is an entry in ClinVar:

NM_001349253.2(SCN11A):c.1385G>A (p.Gly462Asp)

Gene: SCN11A (sodium voltage-gated channel alpha subunit 11; minus strand). Cytogenetic location: 3p22.2.
Variant type: single nucleotide variant.
Coding change: c.1385G>A on transcript NM_001349253.2 (MANE Select); coding-DNA position 1385, G replaced by A.
Protein change: p.Gly462Asp; replaces glycine 462 with aspartic acid.
Molecular consequence: missense variant.
Genome position (GRCh38, 1-based): chr3:38,908,037, C>T on the plus strand (G>A on the coding strand, the complement: SCN11A is on the minus strand). VCF-style: chr3-38908037-C-T. GRCh37 (hg19) VCF-style: chr3-38949528-C-T.
Other names: c.1385G>A, p.Gly462Asp (NM_014139.3); short protein forms G462D.
Identifiers: ClinVar variation 579543 (VCV000579543.6), dbSNP rs1229916082, ClinGen allele CA352166871.
Genomic context (GRCh38, chr3:38,908,037, plus strand): 5'-GACCCAGGAGGCTGGTCTTTCCCAGACTCTCTCAAAAAGAAGGACTTCCTTTTCTTATTA[C>T]CAAAGAGCTTTCTCTTTTTTGGGGTAAAATATGATGTTTCAAGGGAAGTAAGTGAACTTC-3'
Protein context (NP_001336182.1, residues 452-472): YFTPKKRKLF[Gly462Asp]NKKRKSFFLR

ClinVar aggregate classification (germline): Uncertain significance. Review status: criteria provided, multiple submitters, no conflicts (2 of 4 stars). 2 submissions from 2 submitters: Uncertain significance (2). Last evaluated 2025-08-24.

Conditions:
Hereditary sensory and autonomic neuropathy type 7. Also called: HSAN VII; Neuropathy, hereditary sensory and autonomic, type VII. Identifiers: Orphanet 391397, MedGen C3809882, MONDO:0014244, OMIM 615548.
Familial episodic pain syndrome with predominantly lower limb involvement. Also called: Episodic pain syndrome, familial, 3. Identifiers: Orphanet 391384, Orphanet 391392, MedGen C3809899, MONDO:0014247, OMIM 615552.
Inborn genetic diseases. Identifiers: MedGen C0950123, MeSH D030342.

Allele frequency attached by ClinVar (database versions not stated): gnomAD exomes below 0.00001; gnomAD 0.00001; TOPMed 0.00001.
gnomAD v4.1: 7 of 1,613,504 alleles (0.00043%); highest among the groups gnomAD compares: African/African-American, 0.0013%; no homozygotes.

Submissions (2):

Ambry Genetics
Classification: Uncertain significance for Inborn genetic diseases. Last evaluated: 2025-08-24. Review status: criteria provided, single submitter. Criteria: Ambry Variant Classification Scheme 2023. Collection method: clinical testing. Allele origin: germline.

Labcorp Genetics (formerly Invitae), Labcorp
Classification: Uncertain significance for Familial episodic pain syndrome with predominantly lower limb involvement; Hereditary sensory and autonomic neuropathy type 7. Last evaluated: 2024-03-02. Review status: criteria provided, single submitter. Criteria: Invitae Variant Classification Sherloc (09022015). Collection method: clinical testing. Allele origin: germline.
Comment: This sequence change replaces glycine, which is neutral and non-polar, with aspartic acid, which is acidic and polar, at codon 462 of the SCN11A protein (p.Gly462Asp). This variant is present in population databases (no rsID available, gnomAD 0.007%). This variant has not been reported in the literature in individuals affected with SCN11A-related conditions. ClinVar contains an entry for this variant (Variation ID: 579543). An algorithm developed to predict the effect of missense changes on protein structure and function (PolyPhen-2) suggests that this variant is likely to be disruptive. In summary, the available evidence is currently insufficient to determine the role of this variant in disease. Therefore, it has been classified as a Variant of Uncertain Significance.